The following is an entry in ClinVar:

ClinVar aggregate classification (germline): Uncertain significance (1 of 4 stars; one submission).

Submission:

Labcorp Genetics (formerly Invitae), Labcorp
Classification: Uncertain significance. Last evaluated: 2024-05-15. Review status: criteria provided, single submitter. Criteria: Invitae Variant Classification Sherloc (09022015). Collection method: clinical testing. Allele origin: germline.
Comment: This sequence change results in a frameshift in the POLE gene (p.Asp2241Argfs*63). While this is not anticipated to result in nonsense mediated decay, it is expected to disrupt the last 46 amino acid(s) of the POLE protein and extend the protein by 16 additional amino acid residues. This variant is not present in population databases (gnomAD no frequency). This variant has not been reported in the literature in individuals affected with POLE-related conditions. Experimental studies and prediction algorithms are not available or were not evaluated, and the functional significance of this variant is currently unknown. Algorithms developed to predict the effect of sequence changes on RNA splicing suggest that this variant may disrupt the consensus splice site. In summary, the available evidence is currently insufficient to determine the role of this variant in disease. Therefore, it has been classified as a Variant of Uncertain Significance.

NM_006231.4(POLE):c.6719dup (p.Asp2241fs)

Gene: POLE (DNA polymerase epsilon, catalytic subunit; minus strand). Cytogenetic location: 12q24.33.
Variant type: Duplication.
Coding change: c.6719dup on transcript NM_006231.4 (MANE Select); coding-DNA position 6719, one base duplicated (G; older notation c.6719dupG).
Protein change: p.Asp2241fs; shifts the reading frame from aspartic acid 2241.
Molecular consequence: frameshift variant.
Genome position (GRCh38, 1-based): chr12:132,624,933, C duplicated on the plus strand (G on the coding strand, the reverse complement: POLE is on the minus strand); the first of 3 consecutive C bases (chr12:132,624,933-132,624,935); duplicating any one gives the same sequence. VCF-style (leftmost placement, unchanged base first): chr12-132624932-T-TC. GRCh37 (hg19) VCF-style: chr12-133201518-T-TC.
Other names: short protein forms D2241fs.
Identifiers: ClinVar variation 3653436 (VCV003653436.2).